The following is an entry in ClinVar:

NM_139125.4(MASP1):c.1418C>T (p.Ser473Leu)

Gene: MASP1 (MBL associated serine protease 1; minus strand). Cytogenetic location: 3q27.3.
Variant type: single nucleotide variant.
Coding change: c.1418C>T on transcript NM_139125.4 (MANE Select); coding-DNA position 1418, C replaced by T.
Protein change: p.Ser473Leu; replaces serine 473 with leucine.
Molecular consequence: missense variant. On other transcripts: non-coding transcript variant (1), intron variant (1).
Genome position (GRCh38, 1-based): chr3:187,236,453, G>A on the plus strand (C>T on the coding strand, the complement: MASP1 is on the minus strand). VCF-style: chr3-187236453-G-A. GRCh37 (hg19) VCF-style: chr3-186954241-G-A.
Other names: c.1303+5028C>T (NM_001879.6); short protein forms S473L.
Identifiers: ClinVar variation 3123729 (VCV003123729.3), dbSNP rs750601815, ClinGen allele CA2749265.

ClinVar aggregate classification (germline): Uncertain significance. Review status: criteria provided, multiple submitters, no conflicts (2 of 4 stars). 2 submissions from 2 submitters: Uncertain significance (2). Last evaluated 2024-12-17.

Conditions:
Inborn genetic diseases. Identifiers: MedGen C0950123, MeSH D030342.
3MC syndrome 1. Also called: CRANIOSYNOSTOSIS WITH LID ANOMALIES; OCULOPALATOSKELETAL SYNDROME; MICHELS SYNDROME. Identifiers: Orphanet 293843, MedGen C0796059, MONDO:0009770, OMIM 257920.

Allele frequency attached by ClinVar (database versions not stated): ExAC 0.00002; gnomAD exomes 0.00002; TOPMed 0.00008; gnomAD 0.00009.
gnomAD v4.1: 47 of 1,614,038 alleles (0.0029%); highest among the groups gnomAD compares: Admixed American, 0.032%; no homozygotes.

Submissions (2):

Labcorp Genetics (formerly Invitae), Labcorp
Classification: Uncertain significance for 3MC syndrome 1. Last evaluated: 2024-12-17. Review status: criteria provided, single submitter. Criteria: Invitae Variant Classification Sherloc (09022015). Collection method: clinical testing. Allele origin: germline.
Comment: This sequence change replaces serine, which is neutral and polar, with leucine, which is neutral and non-polar, at codon 473 of the MASP1 protein (p.Ser473Leu). This variant is present in population databases (rs750601815, gnomAD 0.03%). This variant has not been reported in the literature in individuals affected with MASP1-related conditions. ClinVar contains an entry for this variant (Variation ID: 3123729). An algorithm developed to predict the effect of missense changes on protein structure and function (PolyPhen-2) suggests that this variant is likely to be disruptive. In summary, the available evidence is currently insufficient to determine the role of this variant in disease. Therefore, it has been classified as a Variant of Uncertain Significance.

Ambry Genetics
Classification: Uncertain significance for Inborn genetic diseases. Last evaluated: 2023-12-22. Review status: criteria provided, single submitter. Criteria: Ambry Variant Classification Scheme 2023. Collection method: clinical testing. Allele origin: germline.